The following is an entry in ClinVar:

ClinVar aggregate classification (germline): Uncertain significance (1 of 4 stars; one submission).

Allele frequency attached by ClinVar (database versions not stated): gnomAD exomes below 0.00001.
gnomAD v4.1: 1 of 1,602,862 alleles (0.000062%); highest among the groups gnomAD compares: Non-Finnish European, 0.000085%; no homozygotes.

Submission:

Labcorp Genetics (formerly Invitae), Labcorp
Classification: Uncertain significance. Last evaluated: 2022-10-28. Review status: criteria provided, single submitter. Criteria: Invitae Variant Classification Sherloc (09022015). Collection method: clinical testing. Allele origin: germline.
Comment: This sequence change affects a donor splice site in intron 2 of the ADAMTS9 gene. It is expected to disrupt RNA splicing. Variants that disrupt the donor or acceptor splice site typically lead to a loss of protein function (PMID: 16199547), however the current clinical and genetic evidence is not sufficient to establish whether loss-of-function variants in ADAMTS9 cause disease. In summary, the available evidence is currently insufficient to determine the role of this variant in disease. Therefore, it has been classified as a Variant of Uncertain Significance. Algorithms developed to predict the effect of sequence changes on RNA splicing suggest that this variant may disrupt the consensus splice site. This variant has not been reported in the literature in individuals affected with ADAMTS9-related conditions. This variant is not present in population databases (gnomAD no frequency).

Literature cited by the submitters: PubMed 16199547.

NM_182920.2(ADAMTS9):c.516+2T>C

Genes: ADAMTS9 (ADAM metallopeptidase with thrombospondin type 1 motif 9; minus strand), ADAMTS9-AS2 (ADAMTS9 antisense RNA 2; plus strand). Cytogenetic location: 3p14.1.
Variant type: single nucleotide variant.
Coding change: c.516+2T>C on transcript NM_182920.2 (MANE Select); the canonical splice donor site of the intron after coding-DNA position 516, T replaced by C.
Molecular consequence: splice donor variant.
Genome position (GRCh38, 1-based): chr3:64,686,566, A>G on the plus strand (T>C on the coding strand, the complement: ADAMTS9 is on the minus strand). VCF-style: chr3-64686566-A-G. GRCh37 (hg19) VCF-style: chr3-64672242-A-G.
Other names: c.516+2T>C (NM_001318781.2).
Identifiers: ClinVar variation 2809051 (VCV002809051.3), dbSNP rs2471104743, ClinGen allele CA353444453.